The following is an entry in ClinVar:

NM_000521.4(HEXB):c.1643_1652del (p.Ala548fs)

Gene: HEXB (hexosaminidase subunit beta; plus strand). Cytogenetic location: 5q13.3.
Variant type: Deletion.
Coding change: c.1643_1652del on transcript NM_000521.4 (MANE Select); coding-DNA positions 1643 to 1652, 10 bases deleted (CTGGATATTG; older notation c.1643_1652delCTGGATATTG).
Protein change: p.Ala548fs; shifts the reading frame from alanine 548.
Molecular consequence: frameshift variant.
Genome position (GRCh38, 1-based): chr5:74,721,147-74,721,156, CTGGATATTG deleted; deleting any 10 consecutive bases within chr5:74,721,145-74,721,156 gives the same sequence; the c. name uses the placement nearest the transcript's 3' end. VCF-style (leftmost placement, unchanged base first): chr5-74721144-ATGCTGGATAT-A. GRCh37 (hg19) VCF-style: chr5-74016969-ATGCTGGATAT-A.
Other names: c.968_977del, p.Ala323fs (NM_001292004.2); short protein forms A323fs, A548fs.
Identifiers: ClinVar variation 4814289 (VCV004814289.1).
Genomic context (GRCh38, chr5:74,721,144, plus strand): 5'-CAATCTAAAATATCTTTATTCATGTTATCTACAGACGTGGAATAGCTGCACAACCTCTTT[ATGCTGGATAT>A]TGTAACCATGAGAACATGTAAAAAATGGAGGGGAAAAAGGCCACAGCAATCTGTACTACA-3'

ClinVar aggregate classification (germline): Likely pathogenic (1 of 4 stars; one submission).

Conditions:
Sandhoff disease. Also called: GM2-GANGLIOSIDOSIS, TYPE II; HEXOSAMINIDASES A AND B DEFICIENCY; Beta-hexosaminidase-beta-subunit deficiency; GM2 gangliosidosis, type 2; Total hexosaminidase deficiency; Sandhoff-Jatzkewitz-Pilz disease. Identifiers: Orphanet 796, MedGen C0036161, MONDO:0010006, OMIM 268800.

Submission:

Natera, Inc.
Classification: Likely pathogenic for Sandhoff disease. Last evaluated: 2024-12-21. Review status: criteria provided, single submitter. Criteria: Natera Variant Classification Schema (03/2026). Collection method: clinical testing. Allele origin: germline.
Comment: The c.1643_1652del variant in HEXB is a frameshift variant predicted to elongate the protein beyond the termination codon. This variant is expected to result in nonsense mediated decay, truncation, or a dysfunctional protein product. This variant is rare in the general population with a frequency below the threshold expected for the associated phenotype(s). Given the available evidence, this variant is classified as Likely Pathogenic.